The following is an entry in ClinVar:

NM_003924.4(PHOX2B):c.-3T>C

Genes: PHOX2B (paired like homeobox 2B; minus strand), PHOX2B-AS1 (PHOX2B antisense RNA 1; plus strand). Cytogenetic location: 4p13.
Variant type: single nucleotide variant.
Coding change: c.-3T>C on transcript NM_003924.4 (MANE Select); 3 bases upstream of the start codon, T replaced by C.
Molecular consequence: 5 prime UTR variant.
Genome position (GRCh38, 1-based): chr4:41,748,613, A>G on the plus strand (T>C on the coding strand, the complement: PHOX2B is on the minus strand). VCF-style: chr4-41748613-A-G. GRCh37 (hg19) VCF-style: chr4-41750630-A-G.
Identifiers: ClinVar variation 4861802 (VCV004861802.1).

ClinVar aggregate classification (germline): Uncertain significance (1 of 4 stars; one submission).

Conditions:
Hereditary cancer-predisposing syndrome. Also called: Neoplastic Syndromes, Hereditary; Tumor predisposition; Hereditary Cancer Syndrome; Hereditary neoplastic syndrome. Identifiers: Orphanet 140162, MedGen C0027672, MeSH D009386, MONDO:0015356.

gnomAD v4.1: 10 of 1,613,226 alleles (0.00062%); highest among the groups gnomAD compares: Non-Finnish European, 0.00085%; no homozygotes.

Submission:

Ambry Genetics
Classification: Uncertain significance for Hereditary cancer-predisposing syndrome. Last evaluated: 2026-04-15. Review status: criteria provided, single submitter. Criteria: Ambry Variant Classification Scheme 2023. Collection method: clinical testing. Allele origin: germline.
Comment: The c.-3T>C variant is located in the 5' untranslated region (5&rsquo; UTR) of the PHOX2B gene. This variant results from a T to C substitution 3 nucleotides upstream from the first translated codon. This nucleotide position is highly conserved in available vertebrate species. Based on the available evidence, the clinical significance of this variant remains unclear.